The following is an entry in ClinVar:

NM_022124.6(CDH23):c.2561G>T (p.Arg854Leu)

Gene: CDH23 (cadherin related 23; plus strand). Cytogenetic location: 10q22.1.
Variant type: single nucleotide variant.
Coding change: c.2561G>T on transcript NM_022124.6 (MANE Select); coding-DNA position 2561, G replaced by T.
Protein change: p.Arg854Leu; replaces arginine 854 with leucine.
Molecular consequence: missense variant.
Genome position (GRCh38, 1-based): chr10:71,702,185, G>T. VCF-style: chr10-71702185-G-T. GRCh37 (hg19) VCF-style: chr10-73461942-G-T.
Other names: c.2561G>T, p.Arg854Leu (NM_001171930.2, NM_001171931.2); c.2561G>T (NM_022124.5); short protein forms R854L.
Identifiers: ClinVar variation 3610738 (VCV003610738.3).
Genomic context (GRCh38, chr10:71,702,185, plus strand): 5'-GCACCACCCACGCCATGCTGGACCGGGAGAACCCCGACCCCCATGAGGCCGAGCTGATGC[G>T]CAAAATCGTCGTCTCTGTTACTGACTGTATGGACCCCTCTCGCCCCTCACGGCCCCCACA-3'
Protein context (NP_071407.4, residues 844-864): NPDPHEAELM[Arg854Leu]KIVVSVTDCG

ClinVar aggregate classification (germline): Uncertain significance. Review status: criteria provided, multiple submitters, no conflicts (2 of 4 stars). 2 submissions from 2 submitters: Uncertain significance (2). Last evaluated 2025-05-23.

Conditions:
Inborn genetic diseases. Identifiers: MedGen C0950123, MeSH D030342.

Submissions (2):

Ambry Genetics
Classification: Uncertain significance for Inborn genetic diseases. Last evaluated: 2025-05-23. Review status: criteria provided, single submitter. Criteria: Ambry Variant Classification Scheme 2023. Collection method: clinical testing. Allele origin: germline.

Labcorp Genetics (formerly Invitae), Labcorp
Classification: Uncertain significance. Last evaluated: 2024-08-04. Review status: criteria provided, single submitter. Criteria: Invitae Variant Classification Sherloc (09022015). Collection method: clinical testing. Allele origin: germline.
Comment: This sequence change replaces arginine, which is basic and polar, with leucine, which is neutral and non-polar, at codon 854 of the CDH23 protein (p.Arg854Leu). This variant is not present in population databases (gnomAD no frequency). This variant has not been reported in the literature in individuals affected with CDH23-related conditions. Advanced modeling of protein sequence and biophysical properties (such as structural, functional, and spatial information, amino acid conservation, physicochemical variation, residue mobility, and thermodynamic stability) performed at Invitae indicates that this missense variant is not expected to disrupt CDH23 protein function with a negative predictive value of 95%. In summary, the available evidence is currently insufficient to determine the role of this variant in disease. Therefore, it has been classified as a Variant of Uncertain Significance.